The following is an entry in ClinVar:

NM_006035.4(CDC42BPB):c.2290C>T (p.Arg764Ter)

Gene: CDC42BPB (CDC42 binding protein kinase beta; minus strand). Cytogenetic location: 14q32.32.
Variant type: single nucleotide variant.
Coding change: c.2290C>T on transcript NM_006035.4 (MANE Select); coding-DNA position 2290, C replaced by T.
Protein change: p.Arg764Ter; replaces arginine 764 with a stop codon.
Molecular consequence: nonsense.
Genome position (GRCh38, 1-based): chr14:102,968,309, G>A on the plus strand (C>T on the coding strand, the complement: CDC42BPB is on the minus strand). VCF-style: chr14-102968309-G-A. GRCh37 (hg19) VCF-style: chr14-103434646-G-A.
Other names: c.2290C>T (NM_006035.3); short protein forms R764*.
Identifiers: ClinVar variation 694472 (VCV000694472.5), dbSNP rs1595476797, ClinGen allele CA391085811.

ClinVar aggregate classification (germline): Conflicting classifications of pathogenicity. Review status: criteria provided, conflicting classifications (1 of 4 stars). 3 submissions from 3 submitters: Likely pathogenic (1); Uncertain significance (1). 1 of the submissions does not count toward it. Last evaluated 2026-05-11.

Conditions:
Chilton-Okur-Chung neurodevelopmental syndrome (CHOCNS). Identifiers: MedGen C5677022, MONDO:0859239, OMIM 619841.
CDC42BPB-related neurodevelopmental syndrome.
Inborn genetic diseases. Identifiers: MedGen C0950123, MeSH D030342.

Allele frequency attached by ClinVar (database versions not stated): gnomAD exomes below 0.00001.

Submissions (3):

Ambry Genetics
Classification: Uncertain significance for Inborn genetic diseases. Last evaluated: 2026-05-11. Review status: criteria provided, single submitter. Criteria: Ambry Variant Classification Scheme 2023. Collection method: clinical testing. Allele origin: germline.
Comment: The c.2290C>T (p.R764*) alteration, located in exon 16 (coding exon 16) of the CDC42BPB gene, consists of a C to T substitution at nucleotide position 2290. This changes the amino acid from an arginine (R) to a stop codon at amino acid position 764. This variant is expected to result in loss of function by premature protein truncation or nonsense-mediated mRNA decay; however, loss-of-function of CDC42BPB has not been established as a mechanism of disease. This variant was not reported in population-based cohorts in the Genome Aggregation Database (gnomAD). This variant was reported in individual(s) with features consistent with CDC42BPB-related neurodevelopmental disorder; in at least one individual, it was determined to be de novo (Chilton, 2020). Based on insufficient or conflicting evidence, the clinical significance of this alteration remains unclear.

Wendy Chung Laboratory, Boston Children's Hospital
Classification: Likely pathogenic for CDC42BPB-related neurodevelopmental syndrome. Last evaluated: 2019-09-10. Review status: criteria provided, single submitter. Criteria: ACMG Guidelines, 2015. Collection method: research. Allele origin: de novo. Affected: yes. Observed: 1 variant allele.

OMIM
Classification: Pathogenic for CHILTON-OKUR-CHUNG NEURODEVELOPMENTAL SYNDROME. Last evaluated: 2022-04-27. Review status: no assertion criteria provided. Collection method: literature only. Allele origin: germline. Not counted in ClinVar's aggregate classification.

Literature cited by the submitters: PubMed 32031333 (cited by Ambry Genetics and OMIM).